The following is an entry in ClinVar:

ClinVar aggregate classification (germline): Benign/Likely benign. Review status: criteria provided, multiple submitters, no conflicts (2 of 4 stars). 2 submissions from 2 submitters: Benign (1); Likely benign (1). Last evaluated 2026-04-01.

Allele frequency attached by ClinVar (database versions not stated): gnomAD 0.00009; gnomAD exomes 0.00015 and 0.00070; 1000 Genomes Project 30x 0.00016; 1000 Genomes Project 0.00020; TOPMed 0.00023; ExAC 0.00050.
gnomAD v4.1: 231 of 1,614,100 alleles (0.014%); highest among the groups gnomAD compares: Admixed American, 0.37%; 3 homozygotes.

Submissions (2):

CeGaT Center for Human Genetics Tuebingen
Classification: Likely benign. Last evaluated: 2026-04-01. Review status: criteria provided, single submitter. Criteria: CeGaT Center For Human Genetics Tuebingen Variant Classification Criteria Version 2. Collection method: clinical testing. Allele origin: germline. Affected: yes. Observed: 1 variant allele.
Comment: GRM1: BP4, BP7

Labcorp Genetics (formerly Invitae), Labcorp
Classification: Benign. Last evaluated: 2026-01-15. Review status: criteria provided, single submitter. Criteria: Invitae Variant Classification Sherloc (09022015). Collection method: clinical testing. Allele origin: germline.

NM_001278064.2(GRM1):c.321C>T (p.Asp107=)

Gene: GRM1 (glutamate metabotropic receptor 1; plus strand). Cytogenetic location: 6q24.3.
Variant type: single nucleotide variant.
Coding change: c.321C>T on transcript NM_001278064.2 (MANE Select); coding-DNA position 321, C replaced by T.
Protein change: p.Asp107=; no amino-acid change (aspartic acid 107 retained).
Molecular consequence: synonymous variant.
Genome position (GRCh38, 1-based): chr6:146,029,838, C>T. VCF-style: chr6-146029838-C-T. GRCh37 (hg19) VCF-style: chr6-146350974-C-T.
Other names: c.321C>T, p.Asp107= (NM_001278065.2, NM_001278066.1, NM_001278067.1).
Identifiers: ClinVar variation 770559 (VCV000770559.10), dbSNP rs202052621, ClinGen allele CA4037037.